The following is an entry in ClinVar:

NC_000009.11:g.(?_36227235)_(36227465_?)del

Gene: GNE (glucosamine (UDP-N-acetyl)-2-epimerase/N-acetylmannosamine kinase; minus strand). Cytogenetic location: 9p13.3.
Variant type: Deletion.
Identifiers: ClinVar variation 1458582 (VCV001458582.4).

ClinVar aggregate classification (germline): Pathogenic (1 of 4 stars; one submission).

Conditions:
Sialuria. Also called: SIALURIA, FRENCH TYPE; Sialic Acid Storage Disease. Identifiers: Orphanet 3166, MedGen C0342853, MONDO:0010028, OMIM 269921.
GNE myopathy (NM). Also called: IBM 2; Inclusion body myopathy autosomal recessive; Inclusion body myopathy quadriceps sparing; NONAKA DISTAL MYOPATHY; INCLUSION BODY MYOPATHY, HEREDITARY, AUTOSOMAL RECESSIVE; INCLUSION BODY MYOPATHY 2, AUTOSOMAL RECESSIVE. Identifiers: Orphanet 602, MedGen C1853926, MONDO:0011603, OMIM 605820.

Submission:

Labcorp Genetics (formerly Invitae), Labcorp
Classification: Pathogenic for Sialuria; GNE myopathy. Last evaluated: 2021-10-20. Review status: criteria provided, single submitter. Criteria: Invitae Variant Classification Sherloc (09022015). Collection method: clinical testing. Allele origin: germline.
Comment: For these reasons, this variant has been classified as Pathogenic. This variant has not been reported in the literature in individuals affected with GNE-related conditions. This variant is a gross deletion of the genomic region encompassing exon(s) 7 of the GNE gene. This deletion is out-of-frame, and is expected to create a premature termination codon and result in an absent or disrupted protein product. Loss-of-function variants in GNE are known to be pathogenic (PMID: 24027297).

Literature cited by the submitters: PubMed 24027297.